The following is an entry in ClinVar:

NM_033380.3(COL4A5):c.3320G>A (p.Gly1107Glu)

Gene: COL4A5 (collagen type IV alpha 5 chain; plus strand). Cytogenetic location: Xq22.3.
Variant type: single nucleotide variant.
Coding change: c.3320G>A on transcript NM_033380.3 (MANE Select); coding-DNA position 3320, G replaced by A.
Protein change: p.Gly1107Glu; replaces glycine 1107 with glutamic acid.
Molecular consequence: missense variant.
Genome position (GRCh38, 1-based): chrX:108,655,404, G>A. VCF-style: chrX-108655404-G-A. GRCh37 (hg19) VCF-style: chrX-107898634-G-A.
Other names: c.3320G>A, p.Gly1107Glu (NM_000495.5); short protein forms G1107E.
Identifiers: ClinVar variation 2021989 (VCV002021989.4), dbSNP rs2524531633, ClinGen allele CA413857459.
Genomic context (GRCh38, chrX:108,655,404, plus strand): 5'-TGCCTGGATACCCAGGGAACCCTGGTATCAAAGGTTCTGTGGGAGATCCTGGTTTGCCCG[G>A]ATTACCAGGAACCCCTGGAGCAAAAGGACAACCAGGCCTTCCTGGATTCCCAGGTAAAAT-3'
Protein context (NP_203699.1, residues 1097-1117): KGSVGDPGLP[Gly1107Glu]LPGTPGAKGQ

ClinVar aggregate classification (germline): Likely pathogenic (1 of 4 stars; one submission).

Submission:

Labcorp Genetics (formerly Invitae), Labcorp
Classification: Likely pathogenic. Last evaluated: 2024-10-04. Review status: criteria provided, single submitter. Criteria: Invitae Variant Classification Sherloc (09022015). Collection method: clinical testing. Allele origin: germline.
Comment: This sequence change replaces glycine, which is neutral and non-polar, with glutamic acid, which is acidic and polar, at codon 1107 of the COL4A5 protein (p.Gly1107Glu). This variant is not present in population databases (gnomAD no frequency). This missense change has been observed in individual(s) with clinical features of Alport syndrome (internal data). ClinVar contains an entry for this variant (Variation ID: 2021989). Invitae Evidence Modeling of protein sequence and biophysical properties (such as structural, functional, and spatial information, amino acid conservation, physicochemical variation, residue mobility, and thermodynamic stability) indicates that this missense variant is expected to disrupt COL4A5 protein function with a positive predictive value of 95%. This variant disrupts the triple helix domain of COL4A5. Glycine residues within the Gly-Xaa-Yaa repeats of the triple helix domain are required for the structure and stability of fibrillar collagens (PMID: 7695699, 8218237, 19344236). In COL4A5, missense variants at these glycine residues are significantly enriched in individuals with disease (PMID: 23720012, 27627812) compared to the general population (ExAC). This variant disrupts the p.Gly1107 amino acid residue in COL4A5. Other variant(s) that disrupt this residue have been observed in individuals with COL4A5-related conditions (PMID: 10094548), which suggests that this may be a clinically significant amino acid residue. In summary, the currently available evidence indicates that the variant is pathogenic, but additional data are needed to prove that conclusively. Therefore, this variant has been classified as Likely Pathogenic.

Literature cited by the submitters: PubMed 7695699; PubMed 8218237; PubMed 19344236; PubMed 23720012; PubMed 27627812; PubMed 10094548.